The following is an entry in ClinVar:

NM_001013838.3(CARMIL2):c.1919+6C>T

Gene: CARMIL2 (capping protein regulator and myosin 1 linker 2; plus strand). Cytogenetic location: 16q22.1.
Variant type: single nucleotide variant.
Coding change: c.1919+6C>T on transcript NM_001013838.3 (MANE Select); 6 bases into the intron after coding-DNA position 1919, C replaced by T.
Molecular consequence: intron variant.
Genome position (GRCh38, 1-based): chr16:67,649,625, C>T. VCF-style: chr16-67649625-C-T. GRCh37 (hg19) VCF-style: chr16-67683528-C-T.
Other names: c.1811+6C>T (NM_001317026.3).
Identifiers: ClinVar variation 1423604 (VCV001423604.5), dbSNP rs189709013, ClinGen allele CA8113592.
Genomic context (GRCh38, chr16:67,649,625, plus strand): 5'-GGGACGCGGGCGCCAAGTTGCTGGCCAAGGCGCTGCGGGTCAACTCGAGGCTCCGGTGGG[C>T]GGGGTCAGAGGGGTGGGACCAGCGGGCAGGGGGCGCGGTGGAGAGGAGGGCACCGGGCTA-3'

ClinVar aggregate classification (germline): Conflicting classifications of pathogenicity. Review status: criteria provided, conflicting classifications (1 of 4 stars). 2 submissions from 2 submitters: Uncertain significance (1); Likely benign (1). Last evaluated 2024-07-11.

Allele frequency attached by ClinVar (database versions not stated): gnomAD exomes 0.00003; gnomAD 0.00021 and 0.00025; ESP Exome Variant Server 0.00026; TOPMed 0.00029; 1000 Genomes Project 30x 0.00078; 1000 Genomes Project 0.00080.
gnomAD v4.1: 80 of 1,299,022 alleles (0.0062%); highest among the groups gnomAD compares: African/African-American, 0.091%; no homozygotes.

Submissions (2):

Blueprint Genetics
Classification: Likely benign. Last evaluated: 2024-07-11. Review status: criteria provided, single submitter. Criteria: ACMG Guidelines, 2015. Collection method: clinical testing. Allele origin: germline.

Labcorp Genetics (formerly Invitae), Labcorp
Classification: Uncertain significance. Last evaluated: 2023-12-03. Review status: criteria provided, single submitter. Criteria: Invitae Variant Classification Sherloc (09022015). Collection method: clinical testing. Allele origin: germline.
Comment: This sequence change falls in intron 20 of the CARMIL2 gene. It does not directly change the encoded amino acid sequence of the CARMIL2 protein. It affects a nucleotide within the consensus splice site. This variant is present in population databases (rs189709013, gnomAD 0.1%). This variant has not been reported in the literature in individuals affected with CARMIL2-related conditions. ClinVar contains an entry for this variant (Variation ID: 1423604). Variants that disrupt the consensus splice site are a relatively common cause of aberrant splicing (PMID: 17576681, 9536098). Algorithms developed to predict the effect of sequence changes on RNA splicing suggest that this variant is not likely to affect RNA splicing. In summary, the available evidence is currently insufficient to determine the role of this variant in disease. Therefore, it has been classified as a Variant of Uncertain Significance.

Literature cited by the submitters: PubMed 17576681 (cited by Labcorp Genetics (formerly Invitae), Labcorp); PubMed 9536098 (cited by Labcorp Genetics (formerly Invitae), Labcorp).